The following is an entry in ClinVar:

ClinVar aggregate classification (germline): Uncertain significance (1 of 4 stars; one submission).

Conditions:
Autosomal recessive limb-girdle muscular dystrophy type 2J (LGMDR10). Also called: Limb-girdle muscular dystrophy, type 2J; MUSCULAR DYSTROPHY, LIMB-GIRDLE, AUTOSOMAL RECESSIVE 10. Identifiers: Orphanet 140922, MedGen C1837342, MONDO:0012127, OMIM 608807.
Dilated cardiomyopathy 1G (CMD1G). Identifiers: Orphanet 154, MedGen C1858763, MONDO:0011400, OMIM 604145.

Submission:

Labcorp Genetics (formerly Invitae), Labcorp
Classification: Uncertain significance for Dilated cardiomyopathy 1G; Limb-girdle muscular dystrophy, type 2J. Last evaluated: 2019-02-13. Review status: criteria provided, single submitter. Criteria: Invitae Variant Classification Sherloc (09022015). Collection method: clinical testing. Allele origin: germline.
Comment: This variant is a deletion of the genomic region encompassing exon 9 and part of exon 10 (c.1398+320_1624del) of the TTN gene. While this is not anticipated to result in nonsense mediated decay, it is expected to create a truncated TTN protein. This variant has not been reported in the literature in individuals with TTN-related conditions. This variant is located in the Z band of TTN (PMID: 25589632). It is unclear how this variant impacts the function of this protein. In summary, the available evidence is currently insufficient to determine the role of this variant in disease. Therefore, it has been classified as a Variant of Uncertain Significance.

Literature cited by the submitters: PubMed 25589632.

NM_001267550.2(TTN):c.1398+320_1624del

Gene: TTN (titin; minus strand). Cytogenetic location: 2q31.2.
Variant type: Deletion.
Coding change: c.1398+320_1624del on transcript NM_001267550.2 (MANE Select); 320 bases into the intron after coding-DNA position 1398 through coding-DNA position 1624, 1,970 bases deleted.
Molecular consequence: splice acceptor variant, splice donor variant.
Genome position (GRCh38, 1-based): chr2:178,792,110-178,794,079, 1,970 bases deleted. GRCh37 (hg19): chr2:179,656,839-179,658,808.
Other names: c.1398+320_1624del (NM_003319.4, NM_133437.4, NM_133432.3 and 3 more transcripts).
Identifiers: ClinVar variation 842360 (VCV000842360.1), ClinGen allele CA916081376.